The following is an entry in ClinVar:

ClinVar aggregate classification (germline): Pathogenic (1 of 4 stars; one submission).

Conditions:
Telangiectasia, hereditary hemorrhagic, type 5 (HHT5). Identifiers: Orphanet 774, MedGen C3809710, MONDO:0014217, OMIM 615506.

Submission:

Labcorp Genetics (formerly Invitae), Labcorp
Classification: Pathogenic for Telangiectasia, hereditary hemorrhagic, type 5. Last evaluated: 2022-10-10. Review status: criteria provided, single submitter. Criteria: Invitae Variant Classification Sherloc (09022015). Collection method: clinical testing. Allele origin: germline.
Comment: A gross deletion of the genomic region encompassing the full coding sequence of the GDF2 gene has been identified. The current clinical and genetic evidence is not sufficient to establish whether loss-of-function variants in GDF2 cause disease. The boundaries of this event are unknown as they extend beyond the assayed region for this gene and therefore may encompass additional genes. A similar copy number variant has been observed in individuals with autosomal dominant pulmonary arterial hypertension (Invitae). Larger copy number events that include this gene have also been reported (PMID: 31661308). For these reasons, this variant has been classified as Pathogenic.

Literature cited by the submitters: PubMed 31661308.

NC_000010.10:g.(?_48413578)_(48416693_?)del

Gene: GDF2 (growth differentiation factor 2; plus strand). Cytogenetic location: 10q11.22.
Variant type: Deletion.
Identifiers: ClinVar variation 2426281 (VCV002426281.3).